The following is an entry in ClinVar:

ClinVar aggregate classification (germline): Benign/Likely benign. Review status: criteria provided, multiple submitters, no conflicts (2 of 4 stars). 7 submissions from 7 submitters: Benign (2); Likely benign (4). 1 of the submissions does not count toward it. Last evaluated 2026-02-04.

Conditions:
SACS-related disorder. Also called: SACS-related condition.
Spastic paraplegia. Identifiers: MedGen C0037772, HP:0001258.
Hereditary spastic paraplegia. Also called: Familial spastic paraparesis. Identifiers: Orphanet 685, MedGen C0037773, MONDO:0019064. Disease mechanism: loss of function.

Allele frequency attached by ClinVar (database versions not stated): gnomAD exomes 0.00014 and 0.00052; ExAC 0.00060; 1000 Genomes Project 30x 0.00094; 1000 Genomes Project 0.00100; gnomAD 0.00177 and 0.00192; ESP Exome Variant Server 0.00200; TOPMed 0.00200.
gnomAD v4.1: 473 of 1,613,438 alleles (0.029%); highest among the groups gnomAD compares: African/African-American, 0.57%; no homozygotes.

Submissions (7):

Labcorp Genetics (formerly Invitae), Labcorp
Classification: Benign for Spastic paraplegia. Last evaluated: 2026-02-04. Review status: criteria provided, single submitter. Criteria: Invitae Variant Classification Sherloc (09022015). Collection method: clinical testing. Allele origin: germline.

Mayo Clinic Laboratories, Mayo Clinic
Classification: Likely benign. Last evaluated: 2025-06-11. Review status: criteria provided, single submitter. Criteria: ACMG Guidelines, 2015. Collection method: clinical testing. Allele origin: germline. Observed: 2 variant alleles.
Comment: BS1, BP4, BP7

CeGaT Center for Human Genetics Tuebingen
Classification: Likely benign. Last evaluated: 2025-04-01. Review status: criteria provided, single submitter. Criteria: CeGaT Center For Human Genetics Tuebingen Variant Classification Criteria Version 2. Collection method: clinical testing. Allele origin: germline. Affected: yes. Observed: 2 variant alleles.
Comment: SACS: BP4, BP7

Athena Diagnostics
Classification: Benign. Last evaluated: 2024-12-27. Review status: criteria provided, single submitter. Criteria: Athena Diagnostics Criteria. Collection method: clinical testing. Allele origin: unknown.
Comment: The frequency of this variant in the general population is higher than would generally be expected for pathogenic variants in this gene.

Genome Diagnostics Laboratory, The Hospital for Sick Children
Classification: Likely benign for Hereditary spastic paraplegia. Last evaluated: 2021-05-14. Review status: criteria provided, single submitter. Criteria: ACMG Guidelines, 2015. Collection method: clinical testing. Allele origin: germline. Affected: yes.

GeneDx
Classification: Likely benign. Last evaluated: 2021-05-07. Review status: criteria provided, single submitter. Criteria: GeneDx Variant Classification Process June 2021. Collection method: clinical testing. Allele origin: germline. Affected: yes.

PreventionGenetics, part of Exact Sciences
Classification: Likely benign for SACS-related condition. Last evaluated: 2024-04-02. Review status: no assertion criteria provided. Collection method: clinical testing. Allele origin: germline. Not counted in ClinVar's aggregate classification.
Comment: This variant is classified as likely benign based on ACMG/AMP sequence variant interpretation guidelines (Richards et al. 2015 PMID: 25741868, with internal and published modifications).

NM_014363.6(SACS):c.7737G>A (p.Lys2579=)

Gene: SACS (sacsin molecular chaperone; minus strand). Cytogenetic location: 13q12.12.
Variant type: single nucleotide variant.
Coding change: c.7737G>A on transcript NM_014363.6 (MANE Select); coding-DNA position 7737, G replaced by A.
Protein change: p.Lys2579=; no amino-acid change (lysine 2579 retained).
Molecular consequence: synonymous variant.
Genome position (GRCh38, 1-based): chr13:23,336,139, C>T on the plus strand (G>A on the coding strand, the complement: SACS is on the minus strand). VCF-style: chr13-23336139-C-T. GRCh37 (hg19) VCF-style: chr13-23910278-C-T.
Other names: p.Lys2579=; c.7296G>A, p.Lys2432= (NM_001278055.2).
Identifiers: ClinVar variation 448219 (VCV000448219.40), dbSNP rs139279302, ClinGen allele CA6910865.